The following is an entry in ClinVar:

NM_003690.5(PRKRA):c.65+10C>T

Gene: PRKRA (protein activator of interferon induced protein kinase EIF2AK2; minus strand). Cytogenetic location: 2q31.2.
Variant type: single nucleotide variant.
Coding change: c.65+10C>T on transcript NM_003690.5 (MANE Select); 10 bases into the intron after coding-DNA position 65, C replaced by T.
Molecular consequence: intron variant.
Genome position (GRCh38, 1-based): chr2:178,450,956, G>A on the plus strand (C>T on the coding strand, the complement: PRKRA is on the minus strand). VCF-style: chr2-178450956-G-A. GRCh37 (hg19) VCF-style: chr2-179315683-G-A.
Other names: c.-385+10C>T (NM_001316362.2).
Identifiers: ClinVar variation 332632 (VCV000332632.13), dbSNP rs535076601, ClinGen allele CA1984082.

ClinVar aggregate classification (germline): Benign/Likely benign. Review status: criteria provided, multiple submitters, no conflicts (2 of 4 stars). 3 submissions from 3 submitters: Benign (1); Likely benign (2). Last evaluated 2025-10-02.

Conditions:
Dystonia 16 (DYT16). Also called: DYT-PRKRA. Identifiers: Orphanet 210571, MedGen C2677567, MONDO:0012789, OMIM 612067.

Allele frequency attached by ClinVar (database versions not stated): gnomAD 0.00004 and 0.00028; TOPMed 0.00007; gnomAD exomes 0.00044 and 0.00112; 1000 Genomes Project 30x 0.00078; 1000 Genomes Project 0.00080; ExAC 0.00297.
gnomAD v4.1: 336 of 770,338 alleles (0.044%); highest among the groups gnomAD compares: South Asian, 0.58%; 4 homozygotes.

Submissions (3):

Labcorp Genetics (formerly Invitae), Labcorp
Classification: Benign for Dystonia 16. Last evaluated: 2025-10-02. Review status: criteria provided, single submitter. Criteria: Invitae Variant Classification Sherloc (09022015). Collection method: clinical testing. Allele origin: germline.

Blueprint Genetics
Classification: Likely benign. Last evaluated: 2022-11-10. Review status: criteria provided, single submitter. Criteria: ACMG Guidelines, 2015. Collection method: clinical testing. Allele origin: germline.

Illumina Laboratory Services, Illumina
Classification: Likely benign for Dystonia 16. Last evaluated: 2018-01-12. Review status: criteria provided, single submitter. Criteria: ICSL Variant Classification Criteria 13 December 2019. Collection method: clinical testing. Allele origin: germline.
Comment: This variant was observed in the ICSL laboratory as part of a predisposition screen in an ostensibly healthy population. It had not been previously curated by ICSL or reported in the Human Gene Mutation Database (HGMD: prior to June 1st, 2018), and was therefore a candidate for classification through an automated scoring system. Utilizing variant allele frequency, disease prevalence and penetrance estimates, and inheritance mode, an automated score was calculated to assess if this variant is too frequent to cause the disease. Based on the score and internal cut-off values, a variant classified as likely benign is not then subjected to further curation. The score for this variant resulted in a classification of likely benign for this disease.